The following is an entry in ClinVar:

NM_005908.4(MANBA):c.847A>C (p.Lys283Gln)

Gene: MANBA (mannosidase beta; minus strand). Cytogenetic location: 4q24.
Variant type: single nucleotide variant.
Coding change: c.847A>C on transcript NM_005908.4 (MANE Select); coding-DNA position 847, A replaced by C.
Protein change: p.Lys283Gln; replaces lysine 283 with glutamine.
Molecular consequence: missense variant.
Genome position (GRCh38, 1-based): chr4:102,690,598, T>G on the plus strand (A>C on the coding strand, the complement: MANBA is on the minus strand). VCF-style: chr4-102690598-T-G. GRCh37 (hg19) VCF-style: chr4-103611755-T-G.
Other names: short protein forms K283Q.
Identifiers: ClinVar variation 1510019 (VCV001510019.4), dbSNP rs777309946, ClinGen allele CA3027091.

ClinVar aggregate classification (germline): Uncertain significance (1 of 4 stars; one submission).

Conditions:
Beta-D-mannosidosis (MANSB). Also called: Beta-Mannosidosis; MANNOSIDOSIS, BETA A, LYSOSOMAL; BETA-MANNOSIDASE DEFICIENCY; LYSOSOMAL BETA-MANNOSIDASE DEFICIENCY. Identifiers: Orphanet 118, MedGen C4048196, MONDO:0009562, OMIM 248510.

Allele frequency attached by ClinVar (database versions not stated): gnomAD 0.00001; gnomAD exomes 0.00001 and 0.00006; ExAC 0.00006.
gnomAD v4.1: 20 of 1,610,246 alleles (0.0012%); highest among the groups gnomAD compares: Admixed American, 0.03%; no homozygotes.

Submission:

Labcorp Genetics (formerly Invitae), Labcorp
Classification: Uncertain significance for Beta-D-mannosidosis. Last evaluated: 2025-01-27. Review status: criteria provided, single submitter. Criteria: Invitae Variant Classification Sherloc (09022015). Collection method: clinical testing. Allele origin: germline.
Comment: This sequence change replaces lysine, which is basic and polar, with glutamine, which is neutral and polar, at codon 283 of the MANBA protein (p.Lys283Gln). This variant is present in population databases (rs777309946, gnomAD 0.04%). This variant has not been reported in the literature in individuals affected with MANBA-related conditions. ClinVar contains an entry for this variant (Variation ID: 1510019). An algorithm developed to predict the effect of missense changes on protein structure and function (PolyPhen-2) suggests that this variant¬†is likely to be tolerated. In summary, the available evidence is currently insufficient to determine the role of this variant in disease. Therefore, it has been classified as a Variant of Uncertain Significance.